The following is an entry in ClinVar:

ClinVar aggregate classification (germline): Uncertain significance. Review status: criteria provided, multiple submitters, no conflicts (2 of 4 stars). 6 submissions from 6 submitters: Uncertain significance (5). 1 of the submissions does not count toward it. Last evaluated 2025-07-15.

Conditions:
Hereditary spastic paraplegia 49 (HSAN9). Also called: NEUROPATHY, HEREDITARY SENSORY AND AUTONOMIC, TYPE IX, WITH DEVELOPMENTAL DELAY; TECPR2-Related Hereditary Sensory and Autonomic Neuropathy with Intellectual Disability; Spastic paraplegia 49, autosomal recessive. Identifiers: Orphanet 320385, MedGen C5190860, MONDO:0014016, OMIM 615031.
Inborn genetic diseases. Identifiers: MedGen C0950123, MeSH D030342.

Allele frequency attached by ClinVar (database versions not stated): ESP Exome Variant Server 0.00008; TOPMed 0.00011; gnomAD 0.00015 and 0.00017; gnomAD exomes 0.00015; ExAC 0.00020.
gnomAD v4.1: 250 of 1,612,212 alleles (0.016%); highest among the groups gnomAD compares: Non-Finnish European, 0.018%; no homozygotes.

Submissions (6):

Ambry Genetics
Classification: Uncertain significance for Inborn genetic diseases. Last evaluated: 2025-07-15. Review status: criteria provided, single submitter. Criteria: Ambry Variant Classification Scheme 2023. Collection method: clinical testing. Allele origin: germline.

Blueprint Genetics
Classification: Uncertain significance. Last evaluated: 2024-09-09. Review status: criteria provided, single submitter. Criteria: ACMG Guidelines, 2015. Collection method: clinical testing. Allele origin: germline.

Mayo Clinic Laboratories, Mayo Clinic
Classification: Uncertain significance. Last evaluated: 2024-05-09. Review status: criteria provided, single submitter. Criteria: ACMG Guidelines, 2015. Collection method: clinical testing. Allele origin: germline. Observed: 1 variant allele.

Labcorp Genetics (formerly Invitae), Labcorp
Classification: Uncertain significance for Hereditary spastic paraplegia 49. Last evaluated: 2022-07-29. Review status: criteria provided, single submitter. Criteria: Invitae Variant Classification Sherloc (09022015). Collection method: clinical testing. Allele origin: germline.
Comment: This sequence change replaces proline, which is neutral and non-polar, with leucine, which is neutral and non-polar, at codon 936 of the TECPR2 protein (p.Pro936Leu). This variant is present in population databases (rs373173535, gnomAD 0.03%). This variant has not been reported in the literature in individuals affected with TECPR2-related conditions. ClinVar contains an entry for this variant (Variation ID: 1212123). Algorithms developed to predict the effect of missense changes on protein structure and function are either unavailable or do not agree on the potential impact of this missense change (SIFT: "Tolerated"; PolyPhen-2: "Possibly Damaging"; Align-GVGD: "Class C0"). In summary, the available evidence is currently insufficient to determine the role of this variant in disease. Therefore, it has been classified as a Variant of Uncertain Significance.

GeneDx
Classification: Uncertain significance. Last evaluated: 2021-01-07. Review status: criteria provided, single submitter. Criteria: GeneDx Variant Classification Process June 2021. Collection method: clinical testing. Allele origin: germline. Affected: yes.
Comment: In silico analysis supports that this missense variant has a deleterious effect on protein structure/function; Has not been previously published as pathogenic or benign to our knowledge

Natera, Inc.
Classification: Uncertain significance for Autosomal recessive spastic paraplegia type 49. Last evaluated: 2020-03-27. Review status: no assertion criteria provided. Collection method: clinical testing. Allele origin: germline. Not counted in ClinVar's aggregate classification.

NM_014844.5(TECPR2):c.2807C>T (p.Pro936Leu)

Gene: TECPR2 (tectonin beta-propeller repeat containing 2; plus strand). Cytogenetic location: 14q32.31.
Variant type: single nucleotide variant.
Coding change: c.2807C>T on transcript NM_014844.5 (MANE Select); coding-DNA position 2807, C replaced by T.
Protein change: p.Pro936Leu; replaces proline 936 with leucine.
Molecular consequence: missense variant.
Genome position (GRCh38, 1-based): chr14:102,443,701, C>T. VCF-style: chr14-102443701-C-T. GRCh37 (hg19) VCF-style: chr14-102910038-C-T.
Other names: p.Pro936Leu; c.2807C>T, p.Pro936Leu (NM_001172631.3); short protein forms P936L.
Identifiers: ClinVar variation 1212123 (VCV001212123.10), dbSNP rs373173535, ClinGen allele CA7358053.